The following is an entry in ClinVar:

NM_000051.4(ATM):c.2951A>C (p.Gln984Pro)

Gene: ATM (ATM serine/threonine kinase; plus strand). Cytogenetic location: 11q22.3.
Variant type: single nucleotide variant.
Coding change: c.2951A>C on transcript NM_000051.4 (MANE Select); coding-DNA position 2951, A replaced by C.
Protein change: p.Gln984Pro; replaces glutamine 984 with proline.
Molecular consequence: missense variant.
Genome position (GRCh38, 1-based): chr11:108,271,280, A>C. VCF-style: chr11-108271280-A-C. GRCh37 (hg19) VCF-style: chr11-108142007-A-C.
Other names: c.2951A>C, p.Gln984Pro (NM_001351834.2); short protein forms Q984P.
Identifiers: ClinVar variation 4617113 (VCV004617113.1).
Genomic context (GRCh38, chr11:108,271,280, plus strand): 5'-AAGTTGAACTTTTTTTTTTTTTTTACCACAGCAATGTGTGTTCTTTGTATCGTCGTGACC[A>C]AGATGTTTGTAAAACTATTTTAAACCATGTCCTTCATGTAGTGAAAAACCTAGGTCAAAG-3'
Protein context (NP_000042.3, residues 974-994): SNVCSLYRRD[Gln984Pro]DVCKTILNHV

ClinVar aggregate classification (germline): Uncertain significance (1 of 4 stars; one submission).

Conditions:
Hereditary cancer-predisposing syndrome. Also called: Neoplastic Syndromes, Hereditary; Tumor predisposition; Hereditary Cancer Syndrome; Hereditary neoplastic syndrome. Identifiers: Orphanet 140162, MedGen C0027672, MeSH D009386, MONDO:0015356.

Submission:

Ambry Genetics
Classification: Uncertain significance for Hereditary cancer-predisposing syndrome. Last evaluated: 2025-09-16. Review status: criteria provided, single submitter. Criteria: Ambry Variant Classification Scheme 2023. Collection method: clinical testing. Allele origin: germline.
Comment: The p.Q984P variant (also known as c.2951A>C), located in coding exon 19 of the ATM gene, results from an A to C substitution at nucleotide position 2951. The glutamine at codon 984 is replaced by proline, an amino acid with similar properties. This amino acid position is conserved. In addition, this alteration is predicted to be deleterious by in silico analysis. Based on the available evidence, the clinical significance of this variant remains unclear.